The following is an entry in ClinVar:

NM_001845.6(COL4A1):c.3689C>G (p.Ala1230Gly)

Gene: COL4A1 (collagen type IV alpha 1 chain; minus strand). Cytogenetic location: 13q34.
Variant type: single nucleotide variant.
Coding change: c.3689C>G on transcript NM_001845.6 (MANE Select); coding-DNA position 3689, C replaced by G.
Protein change: p.Ala1230Gly; replaces alanine 1230 with glycine.
Molecular consequence: missense variant.
Genome position (GRCh38, 1-based): chr13:110,170,600, G>C on the plus strand (C>G on the coding strand, the complement: COL4A1 is on the minus strand). VCF-style: chr13-110170600-G-C. GRCh37 (hg19) VCF-style: chr13-110822947-G-C.
Other names: short protein forms A1230G.
Identifiers: ClinVar variation 2149597 (VCV002149597.4), dbSNP rs898043581, ClinGen allele CA256251549.
Genomic context (GRCh38, chr13:110,170,600, plus strand): 5'-CCCTTACCTGGCAGGCCAGGCTGGCCCTGAGGTCCGCGGTCTCCTTTGGGCCCCTCCGTG[G>C]CATGGCCTGGGGATCCCGGTAACCCCGGCTGTCCCTGGGGCCCCGGAGGACCCATGAATC-3'
Protein context (NP_001836.3, residues 1220-1240): QPGLPGSPGH[Ala1230Gly]TEGPKGDRGP

ClinVar aggregate classification (germline): Uncertain significance (1 of 4 stars; one submission).

Allele frequency attached by ClinVar (database versions not stated): TOPMed below 0.00001; gnomAD 0.00001; gnomAD exomes 0.00001.
gnomAD v4.1: 13 of 1,610,886 alleles (0.00081%); highest among the groups gnomAD compares: African/African-American, 0.0013%; no homozygotes.

Submission:

Labcorp Genetics (formerly Invitae), Labcorp
Classification: Uncertain significance. Last evaluated: 2024-07-12. Review status: criteria provided, single submitter. Criteria: Invitae Variant Classification Sherloc (09022015). Collection method: clinical testing. Allele origin: germline.
Comment: This sequence change replaces alanine, which is neutral and non-polar, with glycine, which is neutral and non-polar, at codon 1230 of the COL4A1 protein (p.Ala1230Gly). This variant is present in population databases (no rsID available, gnomAD 0.004%). This variant has not been reported in the literature in individuals affected with COL4A1-related conditions. ClinVar contains an entry for this variant (Variation ID: 2149597). An algorithm developed to predict the effect of missense changes on protein structure and function (PolyPhen-2) suggests that this variant is likely to be tolerated. In summary, the available evidence is currently insufficient to determine the role of this variant in disease. Therefore, it has been classified as a Variant of Uncertain Significance.